The following is an entry in ClinVar:

NM_000051.4(ATM):c.6199-1G>T

Genes: ATM (ATM serine/threonine kinase; plus strand), C11orf65 (chromosome 11 open reading frame 65; minus strand). Cytogenetic location: 11q22.3.
Variant type: single nucleotide variant.
Coding change: c.6199-1G>T on transcript NM_000051.4 (MANE Select); the canonical splice acceptor site of the intron before coding-DNA position 6199, G replaced by T.
Molecular consequence: splice acceptor variant. On other transcripts: intron variant (2).
Genome position (GRCh38, 1-based): chr11:108,317,372, G>T. VCF-style: chr11-108317372-G-T. GRCh37 (hg19) VCF-style: chr11-108188099-G-T.
Other names: c.6199-1G>T (NM_001351834.2); c.641-8301C>A (NM_001330368.2); c.*39-8301C>A (NM_001351110.2).
Identifiers: ClinVar variation 663849 (VCV000663849.8), dbSNP rs1591788932, ClinGen allele CA382551003.

ClinVar aggregate classification (germline): Pathogenic. Review status: criteria provided, multiple submitters, no conflicts (2 of 4 stars). 2 submissions from 2 submitters: Pathogenic (2). Last evaluated 2023-08-24.

Conditions:
Familial cancer of breast. Also called: Hereditary breast cancer; BREAST CANCER, FAMILIAL; hereditary breast carcinoma. Identifiers: Orphanet 227535, MedGen C0346153, MONDO:0016419, OMIM 114480. Disease mechanism: loss of function.
Ataxia-telangiectasia syndrome (AT). Also called: Ataxia-telangiectasia, complementation group D; AT, COMPLEMENTATION GROUP C; ATAXIA-TELANGIECTASIA, COMPLEMENTATION GROUP A; ATAXIA-TELANGIECTASIA, FRESNO VARIANT; Ataxia-telangiectasia; LOUIS-BAR SYNDROME. Identifiers: Orphanet 100, MedGen C0004135, MONDO:0008840, OMIM 208900.

gnomAD v4.1: 1 of 1,610,124 alleles (0.000062%); no homozygotes.

Submissions (2):

Baylor Genetics
Classification: Pathogenic for Familial cancer of breast. Last evaluated: 2023-08-24. Review status: criteria provided, single submitter. Criteria: ACMG Guidelines, 2015. Collection method: clinical testing. Allele origin: unknown.

Labcorp Genetics (formerly Invitae), Labcorp
Classification: Pathogenic for Ataxia-telangiectasia syndrome. Last evaluated: 2018-12-30. Review status: criteria provided, single submitter. Criteria: Invitae Variant Classification Sherloc (09022015). Collection method: clinical testing. Allele origin: germline.
Comment: For these reasons, this variant has been classified as Pathogenic. Donor and acceptor splice site variants typically lead to a loss of protein function (PMID: 16199547), and loss-of-function variants in ATM are known to be pathogenic (PMID: 23807571, 25614872). Experimental studies have shown that this variant disrupts mRNA splicing (PMID: 9450906). This variant has been observed to be homozygous in an individual affected with ataxia-telangiectasia (PMID: 9450906) and heterozygous in an individual with pancreatic cancer (PMID: 22585167). This variant is also known as IVS44-1G>T and IVS41-1G>T in the literature. This variant is not present in population databases (ExAC no frequency). This sequence change affects an acceptor splice site in intron 42 of the ATM gene. It is expected to disrupt RNA splicing and likely results in an absent or disrupted protein product.

Literature cited by the submitters: PubMed 16199547 (cited by Labcorp Genetics (formerly Invitae), Labcorp); PubMed 23807571 (cited by Labcorp Genetics (formerly Invitae), Labcorp); PubMed 25614872 (cited by Labcorp Genetics (formerly Invitae), Labcorp); PubMed 9450906 (cited by Labcorp Genetics (formerly Invitae), Labcorp); PubMed 22585167 (cited by Labcorp Genetics (formerly Invitae), Labcorp).